The following is an entry in ClinVar:

ClinVar aggregate classification (germline): Pathogenic. Review status: reviewed by expert panel (3 of 4 stars). 2 submissions from 2 submitters: Pathogenic (1). 1 of the submissions does not count toward it. Last evaluated 2016-10-18.

Conditions:
Breast-ovarian cancer, familial, susceptibility to, 2 (BROVCA2). Also called: BRCA2 Hereditary Breast and Ovarian Cancer. Identifiers: Orphanet 145, MedGen C2675520, MONDO:0012933, OMIM 612555. Disease mechanism: loss of function.

Submissions (2):

Evidence-based Network for the Interpretation of Germline Mutant Alleles (ENIGMA)
Classification: Pathogenic for Breast-ovarian cancer, familial, susceptibility to, 2. Last evaluated: 2016-10-18. Review status: reviewed by expert panel. Criteria: ENIGMA BRCA1/2 Classification Criteria (2015). Collection method: curation. Allele origin: germline.
Comment: Variant allele predicted to encode a truncated non-functional protein.

Consortium of Investigators of Modifiers of BRCA1/2 (CIMBA), c/o University of Cambridge
Classification: Pathogenic for Breast-ovarian cancer, familial, susceptibility to, 2. Last evaluated: 2015-10-02. Review status: criteria provided, single submitter. Criteria: CIMBA Mutation Classification guidelines May 2016. Collection method: clinical testing. Allele origin: germline. Not counted in ClinVar's aggregate classification.

NM_000059.4(BRCA2):c.3409_3421del (p.Leu1137fs)

Gene: BRCA2 (BRCA2 DNA repair associated; plus strand). Cytogenetic location: 13q13.1.
Variant type: Deletion.
Coding change: c.3409_3421del on transcript NM_000059.4 (MANE Select); coding-DNA positions 3409 to 3421, 13 bases deleted (TTGCAGAAGAGTA).
Protein change: p.Leu1137fs; shifts the reading frame from leucine 1137.
Molecular consequence: frameshift variant.
Genome position (GRCh38, 1-based): chr13:32,337,764-32,337,776, TTGCAGAAGAGTA deleted; deleting any 13 consecutive bases within chr13:32,337,762-32,337,776 gives the same sequence; the c. name uses the placement nearest the transcript's 3' end. VCF-style (leftmost placement, unchanged base first): chr13-32337761-ATATTGCAGAAGAG-A. GRCh37 (hg19) VCF-style: chr13-32911898-ATATTGCAGAAGAG-A.
Other names: 3637del13; short protein forms L1137fs.
Identifiers: ClinVar variation 266750 (VCV000266750.5), dbSNP rs886040474, ClinGen allele CA10589202.